The following is an entry in ClinVar:

NM_000492.4(CFTR):c.1209+1G>T

Gene: CFTR (CF transmembrane conductance regulator; plus strand). Cytogenetic location: 7q31.2.
Variant type: single nucleotide variant.
Coding change: c.1209+1G>T on transcript NM_000492.4 (MANE Select); the canonical splice donor site of the intron after coding-DNA position 1209, G replaced by T.
Molecular consequence: splice donor variant.
Genome position (GRCh38, 1-based): chr7:117,542,109, G>T. VCF-style: chr7-117542109-G-T. GRCh37 (hg19) VCF-style: chr7-117182163-G-T.
Identifiers: ClinVar variation 370916 (VCV000370916.19), dbSNP rs397508176, ClinGen allele CA16041129.

ClinVar aggregate classification (germline): Pathogenic/Likely pathogenic. Review status: criteria provided, multiple submitters, no conflicts (2 of 4 stars). 7 submissions from 7 submitters: Pathogenic (4); Likely pathogenic (2). 1 of the submissions does not count toward it. Last evaluated 2026-03-05.

Conditions:
CFTR-related disorder (CFTR-RD). Also called: CFTR-related condition; CFTR-related disorders. Identifiers: MedGen C5924204, MONDO:7770004.
Bronchiectasis with or without elevated sweat chloride 1 (BESC1). Also called: Cystic Fibrosis-Like Syndrome. Identifiers: Orphanet 60033, MedGen C2749757, MONDO:0008887, OMIM 211400.
Cystic fibrosis (CF). Also called: MUCOVISCIDOSIS. Identifiers: Orphanet 586, MedGen C0010674, MONDO:0009061, OMIM 219700. Disease mechanism: loss of function.

Submissions (7):

Women's Health and Genetics/Laboratory Corporation of America, LabCorp
Classification: Pathogenic for Cystic fibrosis. Last evaluated: 2026-03-05. Review status: criteria provided, single submitter. Criteria: LabCorp Variant Classification Summary - May 2015. Collection method: clinical testing. Allele origin: germline.
Comment: Variant summary: CFTR c.1209+1G>T is located in a canonical splice-site and is predicted to affect mRNA splicing resulting in a significantly altered protein due to either exon skipping, shortening, or inclusion of intronic material. Variants that disrupt the consensus splice site are a relatively common cause of aberrant splicing and loss of CFTR function. Several computational tools predict a significant impact on normal splicing: Two predict the variant abolishes a 5' splicing donor site. However, these predictions have yet to be confirmed by functional studies. The variant was absent in 249772 control chromosomes. c.1209+1G>T has been observed in at least one individual affected with Cystic Fibrosis (e.g. da Silva Filho_2021). To our knowledge, no experimental evidence demonstrating an impact on protein function has been reported. A different splice variant affecting the canonical splice donor site (c.1209+1G>C) has been classified as Pathogenic by our lab. The following publication has been ascertained in the context of this evaluation (PMID: 32819855). ClinVar contains an entry for this variant (Variation ID: 370916). Based on the evidence outlined above, the variant was classified as pathogenic.

Natera, Inc.
Classification: Pathogenic for CFTR-related disorders. Last evaluated: 2025-09-09. Review status: criteria provided, single submitter. Criteria: Natera Variant Classification Schema (03/2026). Collection method: clinical testing. Allele origin: germline.
Comment: The c.1209+1G>T variant in CFTR is a canonical splice donor site variant predicted to affect pre-mRNA splicing, which may result in an abnormal transcript and altered protein product. This variant is expected to result in nonsense mediated decay, truncation, or a dysfunctional protein product. This variant is rare in the general population with a frequency below the threshold expected for the associated phenotype(s). Another variant at this same site results in an alteration predicted to cause a similar molecular effect has been observed in individual(s) with the associated phenotype. Given the available evidence, this variant is classified as Pathogenic.

Baylor Genetics
Classification: Likely pathogenic for Bronchiectasis with or without elevated sweat chloride 1. Last evaluated: 2023-02-23. Review status: criteria provided, single submitter. Criteria: ACMG Guidelines, 2015. Collection method: clinical testing. Allele origin: unknown.

Labcorp Genetics (formerly Invitae), Labcorp
Classification: Pathogenic for Cystic fibrosis. Last evaluated: 2020-03-02. Review status: criteria provided, single submitter. Criteria: Invitae Variant Classification Sherloc (09022015). Collection method: clinical testing. Allele origin: germline.
Comment: For these reasons, this variant has been classified as Pathogenic. Donor and acceptor splice site variants typically lead to a loss of protein function (PMID: 16199547), and loss-of-function variants in CFTR are known to be pathogenic (PMID: 1695717, 7691345, 9725922). Algorithms developed to predict the effect of sequence changes on RNA splicing suggest that this variant may disrupt the consensus splice site, but this prediction has not been confirmed by published transcriptional studies. Disruption of this splice site has been observed in individual(s) with congenital bilateral absence of the vas deferens (PMID: 22483971). ClinVar contains an entry for this variant (Variation ID: 370916). This variant is not present in population databases (ExAC no frequency). This sequence change affects a donor splice site in intron 9 of the CFTR gene. It is expected to disrupt RNA splicing and likely results in an absent or disrupted protein product.

Mendelics
Classification: Pathogenic for Cystic fibrosis. Last evaluated: 2018-11-05. Review status: criteria provided, single submitter. Criteria: Mendelics Assertion Criteria 2017. Collection method: clinical testing. Allele origin: unknown. Affected: yes.

Ambry Genetics
Classification: Likely pathogenic for Cystic fibrosis. Last evaluated: 2017-05-02. Review status: criteria provided, single submitter. Criteria: Ambry Variant Classification Scheme 2023. Collection method: clinical testing. Allele origin: germline.
Comment: The c.1209+1G>T intronic variant results from a G to T substitution one nucleotide after coding exon 9 of the CFTR gene. This nucleotide position is highly conserved in available vertebrate species. This alteration is predicted to abolish the native donor site using the ESEfinder in silico model; however experimental evidence is not currently available. Alterations that disrupt the canonical splice site are expected to cause aberrant splicing, resulting in an abnormal protein or a transcript that is subject to nonsense-mediated mRNA decay. As such, this alteration is classified as likely pathogenic.

Counsyl
Classification: Likely pathogenic for Cystic fibrosis. Last evaluated: 2016-05-13. Review status: no assertion criteria provided. Collection method: clinical testing. Allele origin: unknown. Not counted in ClinVar's aggregate classification.

Literature cited by the submitters: PubMed 32819855 (cited by Women's Health and Genetics/Laboratory Corporation of America, LabCorp); PubMed 16199547 (cited by Labcorp Genetics (formerly Invitae), Labcorp); PubMed 1695717 (cited by Labcorp Genetics (formerly Invitae), Labcorp); PubMed 7691345 (cited by Labcorp Genetics (formerly Invitae), Labcorp); PubMed 9725922 (cited by Labcorp Genetics (formerly Invitae), Labcorp); PubMed 22483971 (cited by Labcorp Genetics (formerly Invitae), Labcorp).